The following is an entry in ClinVar:

NM_000268.4(NF2):c.558G>C (p.Glu186Asp)

Gene: NF2 (NF2, moesin-ezrin-radixin like (MERLIN) tumor suppressor; plus strand). Cytogenetic location: 22q12.2.
Variant type: single nucleotide variant.
Coding change: c.558G>C on transcript NM_000268.4 (MANE Select); coding-DNA position 558, G replaced by C.
Protein change: p.Glu186Asp; replaces glutamic acid 186 with aspartic acid.
Molecular consequence: missense variant. On other transcripts: non-coding transcript variant (1), intron variant (1).
Genome position (GRCh38, 1-based): chr22:29,655,635, G>C. VCF-style: chr22-29655635-G-C. GRCh37 (hg19) VCF-style: chr22-30051624-G-C.
Other names: c.558G>C, p.Glu186Asp (NM_016418.5, NM_181825.3, NM_181832.3); c.432G>C, p.Glu144Asp (NM_181828.3); c.435G>C, p.Glu145Asp (NM_181829.3); c.309G>C, p.Glu103Asp (NM_181830.3, NM_181831.3); c.447+13350G>C (NM_181833.3); short protein forms E103D, E145D, E144D, E186D.
Identifiers: ClinVar variation 940871 (VCV000940871.12), dbSNP rs1325902176, ClinGen allele CA411142610.
Genomic context (GRCh38, chr22:29,655,635, plus strand): 5'-TTGCTCTATTTTTTGGTAGGTAATAAATCTGTATCAGATGACTCCGGAAATGTGGGAGGA[G>C]AGAATTACTGCTTGGTACGCAGAGCACCGAGGCCGAGCCAGGTGAGGCCCATTCATTGTT-3'
Protein context (NP_000259.1, residues 176-196): LYQMTPEMWE[Glu186Asp]RITAWYAEHR

ClinVar aggregate classification (germline): Uncertain significance. Review status: criteria provided, multiple submitters, no conflicts (2 of 4 stars). 3 submissions from 3 submitters: Uncertain significance (3). Last evaluated 2024-12-24.

Conditions:
Familial meningioma. Also called: Meningioma, familial, susceptibility to. Identifiers: Orphanet 263662, MedGen C3551915, MONDO:0011789, OMIM 607174.
Hereditary cancer-predisposing syndrome. Also called: Neoplastic Syndromes, Hereditary; Tumor predisposition; Hereditary Cancer Syndrome; Hereditary neoplastic syndrome. Identifiers: Orphanet 140162, MedGen C0027672, MeSH D009386, MONDO:0015356.
Neurofibromatosis, type 2 (SWNV). Also called: BILATERAL ACOUSTIC NEUROFIBROMATOSIS; SCHWANNOMATOSIS, VESTIBULAR; NF2-Related Schwannomatosis. Identifiers: Orphanet 637, MedGen C0027832, MONDO:0007039, OMIM 101000. Disease mechanism: loss of function.

Allele frequency attached by ClinVar (database versions not stated): gnomAD exomes below 0.00001 and 0.00001.
gnomAD v4.1: 12 of 1,613,742 alleles (0.00074%); highest among the groups gnomAD compares: Non-Finnish European, 0.001%; no homozygotes.

Submissions (3):

Ambry Genetics
Classification: Uncertain significance for Hereditary cancer-predisposing syndrome. Last evaluated: 2024-12-24. Review status: criteria provided, single submitter. Criteria: Ambry Variant Classification Scheme 2023. Collection method: clinical testing. Allele origin: germline.
Comment: The p.E186D variant (also known as c.558G>C), located in coding exon 6 of the NF2 gene, results from a G to C substitution at nucleotide position 558. The glutamic acid at codon 186 is replaced by aspartic acid, an amino acid with highly similar properties. This amino acid position is highly conserved in available vertebrate species. In addition, the in silico prediction for this alteration is inconclusive. Based on the available evidence, the clinical significance of this variant remains unclear.

Baylor Genetics
Classification: Uncertain significance for Familial meningioma. Last evaluated: 2023-01-24. Review status: criteria provided, single submitter. Criteria: ACMG Guidelines, 2015. Collection method: clinical testing. Allele origin: unknown.

Labcorp Genetics (formerly Invitae), Labcorp
Classification: Uncertain significance for Neurofibromatosis, type 2. Last evaluated: 2020-12-26. Review status: criteria provided, single submitter. Criteria: Invitae Variant Classification Sherloc (09022015). Collection method: clinical testing. Allele origin: germline.
Comment: In summary, the available evidence is currently insufficient to determine the role of this variant in disease. Therefore, it has been classified as a Variant of Uncertain Significance. Algorithms developed to predict the effect of missense changes on protein structure and function are either unavailable or do not agree on the potential impact of this missense change (SIFT: "Tolerated"; PolyPhen-2: "Possibly Damaging"; Align-GVGD: "Class C0"). This variant has not been reported in the literature in individuals with NF2-related conditions. This variant is not present in population databases (ExAC no frequency). This sequence change replaces glutamic acid with aspartic acid at codon 186 of the NF2 protein (p.Glu186Asp). The glutamic acid residue is highly conserved and there is a small physicochemical difference between glutamic acid and aspartic acid.